The following is an entry in ClinVar:

ClinVar aggregate classification (germline): Uncertain significance (1 of 4 stars; one submission).

Conditions:
Generalized epilepsy with febrile seizures plus, type 7 (GEFSP7). Also called: GEFS+, TYPE 7. Identifiers: Orphanet 36387, MedGen C2751778, MONDO:0013470, OMIM 613863.
Neuropathy, hereditary sensory and autonomic, type 2A (HSAN2A). Also called: WNK1-Related HSAN2 (HSAN2A); MORVAN DISEASE; HSAN IIA; ACROOSTEOLYSIS, GIACCAI TYPE; ACROOSTEOLYSIS, NEUROGENIC; NEUROPATHY, CONGENITAL SENSORY. Identifiers: Orphanet 970, MedGen C2752089, MONDO:0024309, OMIM 201300.

gnomAD v4.1: 1 of 1,614,036 alleles (0.000062%); highest among the groups gnomAD compares: East Asian, 0.0022%; no homozygotes.

Submission:

Labcorp Genetics (formerly Invitae), Labcorp
Classification: Uncertain significance for Neuropathy, hereditary sensory and autonomic, type 2A; Generalized epilepsy with febrile seizures plus, type 7. Last evaluated: 2022-01-23. Review status: criteria provided, single submitter. Criteria: Invitae Variant Classification Sherloc (09022015). Collection method: clinical testing. Allele origin: germline.
Comment: In summary, the available evidence is currently insufficient to determine the role of this variant in disease. Therefore, it has been classified as a Variant of Uncertain Significance. Algorithms developed to predict the effect of missense changes on protein structure and function are either unavailable or do not agree on the potential impact of this missense change (SIFT: "Deleterious"; PolyPhen-2: "Probably Damaging"; Align-GVGD: "Class C0"). This variant has not been reported in the literature in individuals affected with SCN9A-related conditions. This variant is not present in population databases (gnomAD no frequency). This sequence change replaces arginine, which is basic and polar, with glycine, which is neutral and non-polar, at codon 584 of the SCN9A protein (p.Arg584Gly).

NM_001365536.1(SCN9A):c.1750A>G (p.Arg584Gly)

Genes: SCN1A-AS1 (SCN1A and SCN9A antisense RNA 1; plus strand), SCN9A (sodium voltage-gated channel alpha subunit 9; minus strand). Cytogenetic location: 2q24.3.
Variant type: single nucleotide variant.
Coding change: c.1750A>G on transcript NM_001365536.1 (MANE Select); coding-DNA position 1750, A replaced by G.
Protein change: p.Arg584Gly; replaces arginine 584 with glycine.
Molecular consequence: missense variant.
Genome position (GRCh38, 1-based): chr2:166,284,677, T>C on the plus strand (A>G on the coding strand, the complement: SCN9A is on the minus strand). VCF-style: chr2-166284677-T-C. GRCh37 (hg19) VCF-style: chr2-167141187-T-C.
Other names: c.1750A>G, p.Arg584Gly (NM_002977.4); short protein forms R584G.
Identifiers: ClinVar variation 2184175 (VCV002184175.4), dbSNP rs1201796122, ClinGen allele CA349083631.